The following is an entry in ClinVar:

ClinVar aggregate classification (germline): Uncertain significance (1 of 4 stars; one submission).

Conditions:
Familial hypocalciuric hypercalcemia (FHH). Also called: Familial benign hypercalcemia. Identifiers: Orphanet 405, MedGen C1809471, MONDO:0018458.
Autosomal dominant hypocalcemia 1 (HYPOC1). Also called: HYPOCALCEMIA, FAMILIAL. Identifiers: MedGen C3715128, MONDO:0011013, OMIM 601198.

Submission:

Labcorp Genetics (formerly Invitae), Labcorp
Classification: Uncertain significance for Familial hypocalciuric hypercalcemia; Autosomal dominant hypocalcemia 1. Last evaluated: 2022-08-23. Review status: criteria provided, single submitter. Criteria: Invitae Variant Classification Sherloc (09022015). Collection method: clinical testing. Allele origin: germline.
Comment: This variant is not present in population databases (gnomAD no frequency). This sequence change replaces glutamic acid, which is acidic and polar, with glutamine, which is neutral and polar, at codon 475 of the CASR protein (p.Glu475Gln). This variant has not been reported in the literature in individuals affected with CASR-related conditions. ClinVar contains an entry for this variant (Variation ID: 950490). Algorithms developed to predict the effect of missense changes on protein structure and function (SIFT, PolyPhen-2, Align-GVGD) all suggest that this variant is likely to be disruptive. In summary, the available evidence is currently insufficient to determine the role of this variant in disease. Therefore, it has been classified as a Variant of Uncertain Significance.

NM_000388.4(CASR):c.1423G>C (p.Glu475Gln)

Gene: CASR (calcium sensing receptor; plus strand). Cytogenetic location: 3q21.1.
Variant type: single nucleotide variant.
Coding change: c.1423G>C on transcript NM_000388.4 (MANE Select); coding-DNA position 1423, G replaced by C.
Protein change: p.Glu475Gln; replaces glutamic acid 475 with glutamine.
Molecular consequence: missense variant.
Genome position (GRCh38, 1-based): chr3:122,275,857, G>C. VCF-style: chr3-122275857-G-C. GRCh37 (hg19) VCF-style: chr3-121994704-G-C.
Other names: c.1423G>C, p.Glu475Gln (NM_001178065.2); short protein forms E475Q.
Identifiers: ClinVar variation 950490 (VCV000950490.10), dbSNP rs1406184611, ClinGen allele CA354154953.